The following is an entry in ClinVar:

ClinVar aggregate classification (germline): Uncertain significance. Review status: criteria provided, multiple submitters, no conflicts (2 of 4 stars). 2 submissions from 2 submitters: Uncertain significance (2). Last evaluated 2025-10-06.

Conditions:
Drash syndrome (DDS). Also called: NEPHROPATHY, WILMS TUMOR, AND GENITAL ANOMALIES; WILMS TUMOR AND PSEUDO- OR TRUE HERMAPHRODITISM. Identifiers: Orphanet 220, MedGen C0950121, MONDO:0008682, OMIM 194080.
Wilms tumor 1 (WT1). Also called: Wilms tumor, somatic. Identifiers: Orphanet 654, MedGen CN033288, MONDO:0008679, OMIM 194070.
11p partial monosomy syndrome (WAGR). Also called: WAGR Spectrum Disorder; WAGR syndrome; WAGR Complex; CHROMOSOME 11p13 DELETION SYNDROME. Identifiers: Orphanet 893, MedGen C0206115, MONDO:0008681, OMIM 194072.
Frasier syndrome. Identifiers: Orphanet 347, MedGen C0950122, MeSH D052159, MONDO:0007635, OMIM 136680.
Inborn genetic diseases. Identifiers: MedGen C0950123, MeSH D030342.

Submissions (2):

Ambry Genetics
Classification: Uncertain significance for Inborn genetic diseases. Last evaluated: 2025-10-06. Review status: criteria provided, single submitter. Criteria: Ambry Variant Classification Scheme 2023. Collection method: clinical testing. Allele origin: germline.
Comment: The p.L94P variant (also known as c.281T>C), located in coding exon 1 of the WT1 gene, results from a T to C substitution at nucleotide position 281. The leucine at codon 94 is replaced by proline, an amino acid with similar properties. This amino acid position is conserved. In addition, the in silico prediction for this alteration is inconclusive. Based on the available evidence, the clinical significance of this variant remains unclear.

Labcorp Genetics (formerly Invitae), Labcorp
Classification: Uncertain significance for Wilms tumor 1; Drash syndrome; 11p partial monosomy syndrome; Frasier syndrome. Last evaluated: 2025-07-13. Review status: criteria provided, single submitter. Criteria: Invitae Variant Classification Sherloc (09022015). Collection method: clinical testing. Allele origin: germline.
Comment: This sequence change replaces leucine, which is neutral and non-polar, with proline, which is neutral and non-polar, at codon 94 of the WT1 protein (p.Leu94Pro). This variant is not present in population databases (gnomAD no frequency). This variant has not been reported in the literature in individuals affected with WT1-related conditions. ClinVar contains an entry for this variant (Variation ID: 565323). Invitae Evidence Modeling of protein sequence and biophysical properties (such as structural, functional, and spatial information, amino acid conservation, physicochemical variation, residue mobility, and thermodynamic stability) has been performed for this missense variant. However, the output from this modeling did not meet the statistical confidence thresholds required to predict the impact of this variant on WT1 protein function. In summary, the available evidence is currently insufficient to determine the role of this variant in disease. Therefore, it has been classified as a Variant of Uncertain Significance.

NM_024426.6(WT1):c.296T>C (p.Leu99Pro)

Genes: WT1 (WT1 transcription factor; minus strand), LOC107982234 (WT1/WT1-AS bi-directional promoter region; plus strand). Cytogenetic location: 11p13.
Variant type: single nucleotide variant.
Coding change: c.296T>C on transcript NM_024426.6 (MANE Select); coding-DNA position 296, T replaced by C.
Protein change: p.Leu99Pro; replaces leucine 99 with proline.
Molecular consequence: missense variant. On other transcripts: non-coding transcript variant (1).
Genome position (GRCh38, 1-based): chr11:32,435,065, A>G on the plus strand (T>C on the coding strand, the complement: WT1 is on the minus strand). VCF-style: chr11-32435065-A-G. GRCh37 (hg19) VCF-style: chr11-32456611-A-G.
Other names: c.296T>C, p.Leu99Pro (NM_000378.6, NM_024424.5); short protein forms L99P.
Identifiers: ClinVar variation 565323 (VCV000565323.10), dbSNP rs1565001942, ClinGen allele CA379965982.